The following is an entry in ClinVar:

NM_004006.3(DMD):c.1267C>T (p.Gln423Ter)

Gene: DMD (dystrophin; minus strand). Cytogenetic location: Xp21.1.
Variant type: single nucleotide variant.
Coding change: c.1267C>T on transcript NM_004006.3 (MANE Select); coding-DNA position 1267, C replaced by T.
Protein change: p.Gln423Ter; replaces glutamine 423 with a stop codon.
Molecular consequence: nonsense.
Genome position (GRCh38, 1-based): chrX:32,644,196, G>A on the plus strand (C>T on the coding strand, the complement: DMD is on the minus strand). VCF-style: chrX-32644196-G-A. GRCh37 (hg19) VCF-style: chrX-32662313-G-A.
Other names: c.1243C>T, p.Gln415Ter (NM_000109.4); c.1255C>T, p.Gln419Ter (NM_004009.3); c.898C>T, p.Gln300Ter (NM_004010.3); short protein forms Q300*, Q415*, Q419*, Q423*.
Identifiers: ClinVar variation 1322493 (VCV001322493.6), dbSNP rs2146819649, ClinGen allele CA412661021.

ClinVar aggregate classification (germline): Pathogenic. Review status: criteria provided, multiple submitters, no conflicts (2 of 4 stars). 3 submissions from 3 submitters: Pathogenic (3). Last evaluated 2025-07-29.

Conditions:
Neuromuscular disease caused by qualitative or quantitative defects of dystrophin. Also called: Qualitative or quantitative defects of dystrophin. Identifiers: Orphanet 207085, MedGen C5679787, MONDO:0016147.
Duchenne muscular dystrophy (DMD). Also called: MUSCULAR DYSTROPHY, PSEUDOHYPERTROPHIC PROGRESSIVE, DUCHENNE TYPE; Duchenne Muscular Dystrophy (DMD). Identifiers: Orphanet 98896, MedGen C0013264, MONDO:0010679, OMIM 310200.

Submissions (3):

Labcorp Genetics (formerly Invitae), Labcorp
Classification: Pathogenic for Duchenne muscular dystrophy. Last evaluated: 2025-07-29. Review status: criteria provided, single submitter. Criteria: Invitae Variant Classification Sherloc (09022015). Collection method: clinical testing. Allele origin: germline.
Comment: This sequence change creates a premature translational stop signal (p.Gln423*) in the DMD gene. It is expected to result in an absent or disrupted protein product. Loss-of-function variants in DMD are known to be pathogenic (PMID: 16770791, 25007885). This variant is not present in population databases (gnomAD no frequency). This premature translational stop signal has been observed in individual(s) with Duchenne muscular dystrophy (PMID: 19937601). ClinVar contains an entry for this variant (Variation ID: 1322493). For these reasons, this variant has been classified as Pathogenic.

Revvity Omics, Revvity
Classification: Pathogenic. Last evaluated: 2022-11-08. Review status: criteria provided, single submitter. Criteria: ACMG Guidelines, 2015. Collection method: clinical testing. Allele origin: germline.

Women's Health and Genetics/Laboratory Corporation of America, LabCorp
Classification: Pathogenic for Neuromuscular disease caused by qualitative or quantitative defects of dystrophin. Last evaluated: 2022-06-20. Review status: criteria provided, single submitter. Criteria: LabCorp Variant Classification Summary - May 2015. Collection method: clinical testing. Allele origin: germline.
Comment: Variant summary: DMD c.1267C>T (p.Gln423X) results in a premature termination codon, predicted to cause a truncation of the encoded protein or absence of the protein due to nonsense mediated decay, which are commonly known mechanisms for disease. Truncations downstream of this position have been classified as pathogenic by our laboratory. The variant was absent in 182995 control chromosomes (gnomAD). c.1267C>T has been reported in the literature in individuals affected with Duchenne Muscular Dystrophy (Flanigan_2009, Guo_2015). These data indicate that the variant is likely to be associated with disease. To our knowledge, no experimental evidence demonstrating an impact on protein function has been reported. One ClinVar submitter (evaluation after 2014) cites the variant as pathogenic. Based on the evidence outlined above, the variant was classified as pathogenic.

Literature cited by the submitters: PubMed 16770791 (cited by Labcorp Genetics (formerly Invitae), Labcorp); PubMed 25007885 (cited by Labcorp Genetics (formerly Invitae), Labcorp); PubMed 19937601 (cited by Labcorp Genetics (formerly Invitae), Labcorp and Women's Health and Genetics/Laboratory Corporation of America, LabCorp); PubMed 25972034 (cited by Women's Health and Genetics/Laboratory Corporation of America, LabCorp).